The following is an entry in ClinVar:

NM_002661.5(PLCG2):c.577C>G (p.His193Asp)

Gene: PLCG2 (phospholipase C gamma 2; plus strand). Cytogenetic location: 16q23.3.
Variant type: single nucleotide variant.
Coding change: c.577C>G on transcript NM_002661.5 (MANE Select); coding-DNA position 577, C replaced by G.
Protein change: p.His193Asp; replaces histidine 193 with aspartic acid.
Molecular consequence: missense variant.
Genome position (GRCh38, 1-based): chr16:81,870,864, C>G. VCF-style: chr16-81870864-C-G. GRCh37 (hg19) VCF-style: chr16-81904469-C-G.
Other names: short protein forms H193D.
Identifiers: ClinVar variation 659304 (VCV000659304.11), dbSNP rs1032603937, ClinGen allele CA285188869.
Genomic context (GRCh38, chr16:81,870,864, plus strand): 5'-TTACGGTGGACATCAAAAATCATGTGGTCACTTTTTTCATATTTACAGGAAATAGGAGCA[C>G]ACAAAGATGAGCTCAGCTTTGAACAGTTCCATCTCTTCTATAAAAAACTTATGTTTGAAC-3'
Protein context (NP_002652.2, residues 183-203): LKDKFVEIGA[His193Asp]KDELSFEQFH

ClinVar aggregate classification (germline): Conflicting classifications of pathogenicity. Review status: criteria provided, conflicting classifications (1 of 4 stars). 2 submissions from 2 submitters: Uncertain significance (1); Benign (1). Last evaluated 2025-08-13.

Conditions:
PLCG2-related disorder. Also called: PLCG2-related condition.
Familial cold autoinflammatory syndrome 3 (FCAS3). Also called: FAMILIAL ATYPICAL COLD URTICARIA; ANTIBODY DEFICIENCY AND IMMUNE DYSREGULATION, PLCG2-ASSOCIATED. Identifiers: Orphanet 300359, MedGen C3280914, MONDO:0013766, OMIM 614468.

Allele frequency attached by ClinVar (database versions not stated): gnomAD 0.00001; gnomAD exomes 0.00001; TOPMed 0.00002.
gnomAD v4.1: 12 of 1,594,356 alleles (0.00075%); highest among the groups gnomAD compares: Middle Eastern, 0.033%; no homozygotes.

Submissions (2):

Labcorp Genetics (formerly Invitae), Labcorp
Classification: Benign for Familial cold autoinflammatory syndrome 3. Last evaluated: 2025-08-13. Review status: criteria provided, single submitter. Criteria: Invitae Variant Classification Sherloc (09022015). Collection method: clinical testing. Allele origin: germline.

PreventionGenetics, part of Exact Sciences
Classification: Uncertain significance for PLCG2-related condition. Last evaluated: 2023-02-05. Review status: criteria provided, single submitter. Criteria: ACMG Guidelines, 2015. Collection method: clinical testing. Allele origin: germline.
Comment: The PLCG2 c.577C>G variant is predicted to result in the amino acid substitution p.His193Asp. To our knowledge, this variant has not been reported in the literature. This variant is reported in 0.0065% of alleles in individuals of European (Non-Finnish) descent in gnomAD. At this time, the clinical significance of this variant is uncertain due to the absence of conclusive functional and genetic evidence.